The following is an entry in ClinVar:

ClinVar aggregate classification (germline): Pathogenic (1 of 4 stars; one submission).

Conditions:
KBG syndrome (KBGS). Also called: ANKRD11-Related KBG Syndrome. Identifiers: Orphanet 2332, MedGen C0220687, MONDO:0007846, OMIM 148050.

Submission:

3billion
Classification: Pathogenic for KBG syndrome. Last evaluated: 2025-10-22. Review status: criteria provided, single submitter. Criteria: ACMG Guidelines, 2015. Collection method: clinical testing. Allele origin: germline. Affected: yes.
Comment: The variant is not observed in the gnomAD v4.1.0 dataset. Predicted Consequence/Location: Frameshift: predicted to result in a loss or disruption of normal protein function through nonsense-mediated decay (NMD) or protein truncation. Multiple pathogenic variants are reported downstream of the variant. The variant has been reported to be associated with ANKRD11-related disorder (PMID: 25413698). Therefore, this variant is classified as Pathogenic according to the recommendation of ACMG/AMP guideline.

Literature cited by the submitters: PubMed 25413698.

NM_013275.6(ANKRD11):c.4283_4286del (p.Lys1428fs)

Gene: ANKRD11 (ankyrin repeat domain 11; minus strand). Cytogenetic location: 16q24.3.
Variant type: Microsatellite.
Coding change: c.4283_4286del on transcript NM_013275.6 (MANE Select); coding-DNA positions 4283 to 4286, 4 bases deleted (AAGA; older notation c.4283_4286delAAGA).
Protein change: p.Lys1428fs; shifts the reading frame from lysine 1428.
Molecular consequence: frameshift variant.
Genome position (GRCh38, 1-based): chr16:89,282,256-89,282,259, TCTT deleted on the plus strand (AAGA on the coding strand, the reverse complement: ANKRD11 is on the minus strand); deleting any 4 consecutive bases within chr16:89,282,256-89,282,264 gives the same sequence; the c. name uses the placement nearest the transcript's 3' end. VCF-style (leftmost placement, unchanged base first): chr16-89282255-ATCTT-A. GRCh37 (hg19) VCF-style: chr16-89348663-ATCTT-A.
Other names: c.4283_4286del, p.Lys1428fs (NM_001256182.2, NM_001256183.2); short protein forms K1428fs.
Identifiers: ClinVar variation 4855775 (VCV004855775.1).